The following is an entry in ClinVar:

NM_022436.3(ABCG5):c.782A>T (p.Asp261Val)

Genes: ABCG5 (ATP binding cassette subfamily G member 5; minus strand), DYNC2LI1 (dynein cytoplasmic 2 light intermediate chain 1; plus strand). Cytogenetic location: 2p21.
Variant type: single nucleotide variant.
Coding change: c.782A>T on transcript NM_022436.3 (MANE Select); coding-DNA position 782, A replaced by T.
Protein change: p.Asp261Val; replaces aspartic acid 261 with valine.
Molecular consequence: missense variant. On other transcripts: intron variant (2).
Genome position (GRCh38, 1-based): chr2:43,825,011, T>A on the plus strand (A>T on the coding strand, the complement: ABCG5 is on the minus strand). VCF-style: chr2-43825011-T-A. GRCh37 (hg19) VCF-style: chr2-44052150-T-A.
Other names: c.*16-2375T>A (NM_001348913.2, NM_001348912.2); short protein forms D261V.
Identifiers: ClinVar variation 2564012 (VCV002564012.2), dbSNP rs1243920907, ClinGen allele CA346665950.

ClinVar aggregate classification (germline): Uncertain significance (1 of 4 stars; one submission).

Conditions:
Cardiovascular phenotype. Identifiers: MedGen CN230736.

Allele frequency attached by ClinVar (database versions not stated): gnomAD exomes below 0.00001.
gnomAD v4.1: 2 of 1,613,756 alleles (0.00012%); highest among the groups gnomAD compares: South Asian, 0.0011%; no homozygotes.

Submission:

Ambry Genetics
Classification: Uncertain significance for Cardiovascular phenotype. Last evaluated: 2023-05-27. Review status: criteria provided, single submitter. Criteria: Ambry Variant Classification Scheme 2023. Collection method: clinical testing. Allele origin: germline.
Comment: The p.D261V variant (also known as c.782A>T), located in coding exon 7 of the ABCG5 gene, results from an A to T substitution at nucleotide position 782. The aspartic acid at codon 261 is replaced by valine, an amino acid with highly dissimilar properties. This amino acid position is conserved. In addition, this alteration is predicted to be deleterious by in silico analysis. Since supporting evidence is limited at this time, the clinical significance of this alteration remains unclear.